The following is an entry in ClinVar:

NM_005271.5(GLUD1):c.1249T>A (p.Phe417Ile)

Gene: GLUD1 (glutamate dehydrogenase 1; minus strand). Cytogenetic location: 10q23.2.
Variant type: single nucleotide variant.
Coding change: c.1249T>A on transcript NM_005271.5 (MANE Select); coding-DNA position 1249, T replaced by A.
Protein change: p.Phe417Ile; replaces phenylalanine 417 with isoleucine.
Molecular consequence: missense variant.
Genome position (GRCh38, 1-based): chr10:87,060,190, A>T on the plus strand (T>A on the coding strand, the complement: GLUD1 is on the minus strand). VCF-style: chr10-87060190-A-T. GRCh37 (hg19) VCF-style: chr10-88819947-A-T.
Other names: c.850T>A, p.Phe284Ile (NM_001318900.1); c.748T>A, p.Phe250Ile (NM_001318901.1, NM_001318902.1, NM_001318904.2 and 2 more transcripts); short protein forms F284I, F250I, F417I.
Identifiers: ClinVar variation 1376480 (VCV001376480.6), dbSNP rs2133794123, ClinGen allele CA377466685.

ClinVar aggregate classification (germline): Uncertain significance (1 of 4 stars; one submission).

Conditions:
Hyperinsulinism-hyperammonemia syndrome (HHF6). Identifiers: Orphanet 35878, MedGen C1847555, MONDO:0011717, OMIM 606762.

Submission:

Labcorp Genetics (formerly Invitae), Labcorp
Classification: Uncertain significance for Hyperinsulinism-hyperammonemia syndrome. Last evaluated: 2021-12-02. Review status: criteria provided, single submitter. Criteria: Invitae Variant Classification Sherloc (09022015). Collection method: clinical testing. Allele origin: germline.
Comment: This sequence change replaces phenylalanine with isoleucine at codon 417 of the GLUD1 protein (p.Phe417Ile). The phenylalanine residue is moderately conserved and there is a small physicochemical difference between phenylalanine and isoleucine. This variant is not present in population databases (gnomAD no frequency). This variant has not been reported in the literature in individuals affected with GLUD1-related conditions. Algorithms developed to predict the effect of missense changes on protein structure and function are either unavailable or do not agree on the potential impact of this missense change (SIFT: "Not Available"; PolyPhen-2: "Benign"; Align-GVGD: "Not Available"). In summary, the available evidence is currently insufficient to determine the role of this variant in disease. Therefore, it has been classified as a Variant of Uncertain Significance.